The following is an entry in ClinVar:

NM_148960.3(CLDN19):c.315G>A (p.Thr105=)

Gene: CLDN19 (claudin 19; minus strand). Cytogenetic location: 1p34.2.
Variant type: single nucleotide variant.
Coding change: c.315G>A on transcript NM_148960.3 (MANE Select); coding-DNA position 315, G replaced by A.
Protein change: p.Thr105=; no amino-acid change (threonine 105 retained).
Molecular consequence: synonymous variant.
Genome position (GRCh38, 1-based): chr1:42,738,494, C>T on the plus strand (G>A on the coding strand, the complement: CLDN19 is on the minus strand). VCF-style: chr1-42738494-C-T. GRCh37 (hg19) VCF-style: chr1-43204165-C-T.
Other names: c.315G>A, p.Thr105= (NM_001123395.2, NM_001185117.2); c.315G>A (NM_148960.2).
Identifiers: ClinVar variation 2056578 (VCV002056578.6), dbSNP rs201994736, ClinGen allele CA801406.

ClinVar aggregate classification (germline): Likely benign. Review status: criteria provided, single submitter (1 of 4 stars). 2 submissions from 2 submitters: Likely benign (1). 1 of the submissions does not count toward it. Last evaluated 2025-06-12.

Conditions:
CLDN19-related disorder. Also called: CLDN19-related condition.

Allele frequency attached by ClinVar (database versions not stated): gnomAD exomes 0.00002; gnomAD 0.00003; TOPMed 0.00004; ExAC 0.00006; 1000 Genomes Project 0.00040; 1000 Genomes Project 30x 0.00047.
gnomAD v4.1: 40 of 1,614,066 alleles (0.0025%); highest among the groups gnomAD compares: East Asian, 0.06%; no homozygotes.

Submissions (2):

Labcorp Genetics (formerly Invitae), Labcorp
Classification: Likely benign. Last evaluated: 2025-06-12. Review status: criteria provided, single submitter. Criteria: Invitae Variant Classification Sherloc (09022015). Collection method: clinical testing. Allele origin: germline.

PreventionGenetics, part of Exact Sciences
Classification: Likely benign for CLDN19-related condition. Last evaluated: 2019-12-31. Review status: no assertion criteria provided. Collection method: clinical testing. Allele origin: germline. Not counted in ClinVar's aggregate classification.
Comment: This variant is classified as likely benign based on ACMG/AMP sequence variant interpretation guidelines (Richards et al. 2015 PMID: 25741868, with internal and published modifications).